The following is an entry in ClinVar:

NM_018723.4(RBFOX1):c.185C>T (p.Thr62Ile)

Gene: RBFOX1 (RNA binding fox-1 homolog 1; plus strand). Cytogenetic location: 16p13.3.
Variant type: single nucleotide variant.
Coding change: c.185C>T on transcript NM_018723.4 (MANE Select); coding-DNA position 185, C replaced by T.
Protein change: p.Thr62Ile; replaces threonine 62 with isoleucine.
Molecular consequence: missense variant.
Genome position (GRCh38, 1-based): chr16:7,518,304, C>T. VCF-style: chr16-7518304-C-T. GRCh37 (hg19) VCF-style: chr16-7568306-C-T.
Other names: c.185C>T, p.Thr62Ile (NM_001142333.2, NM_001142334.2, NM_001364800.2 and 1 more transcripts); c.314C>T, p.Thr105Ile (NM_001308117.1, NM_001411047.1, NM_001415891.1 and 5 more transcripts); c.782C>T, p.Thr261Ile (NM_001415887.1, NM_001415888.1); c.293C>T, p.Thr98Ile (NM_001415889.1, NM_001415892.1, NM_001415894.1 and 5 more transcripts); c.260C>T, p.Thr87Ile (NM_001415890.1, NM_001415893.1, NM_001415899.1 and 4 more transcripts); c.245C>T, p.Thr82Ile (NM_001415896.1, NM_001415904.1, NM_001415906.1 and 4 more transcripts); c.191C>T, p.Thr64Ile (NM_001415902.1, NM_001415911.1, NM_001415917.1); short protein forms T105I, T62I, T82I, T98I, T261I, T64I, T87I.
Identifiers: ClinVar variation 2759794 (VCV002759794.3), dbSNP rs2076806935, ClinGen allele CA394796602.

ClinVar aggregate classification (germline): Uncertain significance (1 of 4 stars; one submission).

Conditions:
Idiopathic generalized epilepsy. Also called: Generalised epilepsy; EIG. Identifiers: MedGen C0270850, MONDO:0005579, OMIM 600669.

Allele frequency attached by ClinVar (database versions not stated): gnomAD exomes below 0.00001; TOPMed below 0.00001.
gnomAD v4.1: 1 of 1,614,140 alleles (0.000062%); highest among the groups gnomAD compares: Non-Finnish European, 0.000085%; no homozygotes.

Submission:

Labcorp Genetics (formerly Invitae), Labcorp
Classification: Uncertain significance for Idiopathic generalized epilepsy. Last evaluated: 2023-05-03. Review status: criteria provided, single submitter. Criteria: Invitae Variant Classification Sherloc (09022015). Collection method: clinical testing. Allele origin: germline.
Comment: This sequence change replaces threonine, which is neutral and polar, with isoleucine, which is neutral and non-polar, at codon 82 of the RBFOX1 protein (p.Thr82Ile). This variant is not present in population databases (gnomAD no frequency). This variant has not been reported in the literature in individuals affected with RBFOX1-related conditions. Advanced modeling of protein sequence and biophysical properties (such as structural, functional, and spatial information, amino acid conservation, physicochemical variation, residue mobility, and thermodynamic stability) performed at Invitae indicates that this missense variant is not expected to disrupt RBFOX1 protein function. In summary, the available evidence is currently insufficient to determine the role of this variant in disease. Therefore, it has been classified as a Variant of Uncertain Significance.